The following is an entry in ClinVar:

ClinVar aggregate classification (germline): Uncertain significance (1 of 4 stars; one submission).

Conditions:
Kleefstra syndrome 1 (KLEFS1). Identifiers: Orphanet 261494, MedGen C0795833, MONDO:0027407, OMIM 610253.

Allele frequency attached by ClinVar (database versions not stated): TOPMed 0.00001; gnomAD exomes 0.00001; gnomAD 0.00001.
gnomAD v4.1: 8 of 955,884 alleles (0.00084%); highest among the groups gnomAD compares: Non-Finnish European, 0.00099%; no homozygotes.

Submission:

Labcorp Genetics (formerly Invitae), Labcorp
Classification: Uncertain significance for Kleefstra syndrome 1. Last evaluated: 2023-08-10. Review status: criteria provided, single submitter. Criteria: Invitae Variant Classification Sherloc (09022015). Collection method: clinical testing. Allele origin: germline.
Comment: ClinVar contains an entry for this variant (Variation ID: 2043325). This sequence change replaces aspartic acid, which is acidic and polar, with glycine, which is neutral and non-polar, at codon 5 of the EHMT1 protein (p.Asp5Gly). The frequency data for this variant in the population databases is considered unreliable, as metrics indicate insufficient coverage at this position in the gnomAD database. This variant has not been reported in the literature in individuals affected with EHMT1-related conditions. An algorithm developed to predict the effect of missense changes on protein structure and function (PolyPhen-2) suggests that this variant is likely to be tolerated. In summary, the available evidence is currently insufficient to determine the role of this variant in disease. Therefore, it has been classified as a Variant of Uncertain Significance.

NM_024757.5(EHMT1):c.14A>G (p.Asp5Gly)

Genes: EHMT1 (euchromatic histone lysine methyltransferase 1; plus strand), LOC130003135 (ATAC-STARR-seq lymphoblastoid silent region 20636; plus strand). Cytogenetic location: 9q34.3.
Variant type: single nucleotide variant.
Coding change: c.14A>G on transcript NM_024757.5 (MANE Select); coding-DNA position 14, A replaced by G.
Protein change: p.Asp5Gly; replaces aspartic acid 5 with glycine.
Molecular consequence: missense variant. On other transcripts: 5 prime UTR variant (2).
Genome position (GRCh38, 1-based): chr9:137,619,042, A>G. VCF-style: chr9-137619042-A-G. GRCh37 (hg19) VCF-style: chr9-140513494-A-G.
Other names: c.14A>G, p.Asp5Gly (NM_001145527.2, NM_001354263.2, NM_001354611.2); c.-16A>G (NM_001354259.2, NM_001354612.2); short protein forms D5G.
Identifiers: ClinVar variation 2043325 (VCV002043325.4), dbSNP rs1367052602, ClinGen allele CA375778213.